The following is an entry in ClinVar:

NM_020066.5(FMN2):c.3309C>T (p.Pro1103=)

Gene: FMN2 (formin 2; plus strand). Cytogenetic location: 1q43.
Variant type: single nucleotide variant.
Coding change: c.3309C>T on transcript NM_020066.5 (MANE Select); coding-DNA position 3309, C replaced by T.
Protein change: p.Pro1103=; no amino-acid change (proline 1103 retained).
Molecular consequence: synonymous variant. On other transcripts: intron variant (1).
Genome position (GRCh38, 1-based): chr1:240,208,121, C>T. VCF-style: chr1-240208121-C-T. GRCh37 (hg19) VCF-style: chr1-240371421-C-T.
Other names: c.1986+19859C>T (NM_001348094.2); c.3321C>T, p.Pro1107= (NM_001305424.2).
Identifiers: ClinVar variation 4534143 (VCV004534143.6).
Genomic context (GRCh38, chr1:240,208,121, plus strand): 5'-GGGCATACCCCCACCTCCCCCTCTACCCGGAGCGGGCATACCCCCTCCGCCCCCTCTACC[C>T]GGAGTGGGCATACCTCCTCCGCCCCCTCTACCCGGAGCGGGCATACCCCCTCCTCCCCCT-3'
Protein context (NP_064450.3, residues 1093-1113): GAGIPPPPPL[Pro1103=]GVGIPPPPPL

ClinVar aggregate classification (germline): Likely benign (1 of 4 stars; one submission).

Submission:

CeGaT Center for Human Genetics Tuebingen
Classification: Likely benign. Last evaluated: 2026-05-01. Review status: criteria provided, single submitter. Criteria: CeGaT Center For Human Genetics Tuebingen Variant Classification Criteria Version 2. Collection method: clinical testing. Allele origin: germline. Affected: yes. Observed: 3 variant alleles.
Comment: FMN2: BP4, BP7